The following is an entry in ClinVar:

NM_015046.7(SETX):c.1725G>A (p.Gln575=)

Gene: SETX (senataxin; minus strand). Cytogenetic location: 9q34.13.
Variant type: single nucleotide variant.
Coding change: c.1725G>A on transcript NM_015046.7 (MANE Select); coding-DNA position 1725, G replaced by A.
Protein change: p.Gln575=; no amino-acid change (glutamine 575 retained).
Molecular consequence: synonymous variant.
Genome position (GRCh38, 1-based): chr9:132,329,873, C>T on the plus strand (G>A on the coding strand, the complement: SETX is on the minus strand). VCF-style: chr9-132329873-C-T. GRCh37 (hg19) VCF-style: chr9-135205260-C-T.
Other names: p.Gln575=; c.1725G>A, p.Gln575= (NM_001351527.2, NM_001351528.2).
Identifiers: ClinVar variation 4683447 (VCV004683447.1).

ClinVar aggregate classification (germline): Likely benign (1 of 4 stars; one submission).

Submission:

Mayo Clinic Laboratories, Mayo Clinic
Classification: Likely benign. Last evaluated: 2025-03-31. Review status: criteria provided, single submitter. Criteria: ACMG Guidelines, 2015. Collection method: clinical testing. Allele origin: germline. Observed: 1 variant allele.
Comment: BP4, BP7